The following is an entry in ClinVar:

ClinVar aggregate classification (germline): Uncertain significance (1 of 4 stars; one submission).

Conditions:
Primary ciliary dyskinesia. Also called: Ciliary dyskinesia. Identifiers: Orphanet 244, MedGen C0008780, MONDO:0016575, HP:0012265.

Submission:

Labcorp Genetics (formerly Invitae), Labcorp
Classification: Uncertain significance for Primary ciliary dyskinesia. Last evaluated: 2025-09-02. Review status: criteria provided, single submitter. Criteria: Invitae Variant Classification Sherloc (09022015). Collection method: clinical testing. Allele origin: germline.
Comment: This sequence change replaces valine, which is neutral and non-polar, with isoleucine, which is neutral and non-polar, at codon 655 of the DNAH8 protein (p.Val655Ile). This variant is not present in population databases (gnomAD no frequency). This variant has not been reported in the literature in individuals affected with DNAH8-related conditions. ClinVar contains an entry for this variant (Variation ID: 2844247). An algorithm developed to predict the effect of missense changes on protein structure and function outputs the following: PolyPhen-2: "Not Available". The isoleucine amino acid residue is found in multiple mammalian species, which suggests that this missense change does not adversely affect protein function. Algorithms developed to predict the effect of sequence changes on RNA splicing suggest that this variant may disrupt the consensus splice site. In summary, the available evidence is currently insufficient to determine the role of this variant in disease. Therefore, it has been classified as a Variant of Uncertain Significance.

NM_001206927.2(DNAH8):c.1963G>A (p.Val655Ile)

Gene: DNAH8 (dynein axonemal heavy chain 8; plus strand). Cytogenetic location: 6p21.2.
Variant type: single nucleotide variant.
Coding change: c.1963G>A on transcript NM_001206927.2 (MANE Select); coding-DNA position 1963, G replaced by A.
Protein change: p.Val655Ile; replaces valine 655 with isoleucine.
Molecular consequence: missense variant.
Genome position (GRCh38, 1-based): chr6:38,778,388, G>A. VCF-style: chr6-38778388-G-A. GRCh37 (hg19) VCF-style: chr6-38746164-G-A.
Other names: c.1312G>A, p.Val438Ile (NM_001371.4); short protein forms V655I, V438I.
Identifiers: ClinVar variation 2844247 (VCV002844247.3), dbSNP rs1238108829, ClinGen allele CA363988658.
Genomic context (GRCh38, chr6:38,778,388, plus strand): 5'-TTAAACAAAACCAATCTCTTTAACACCAAAAATCATTTAAATATTAATATTTTATTTTAG[G>A]TACAAATACAGGCATTTATGAACAGTAGTTTTGGGAAAATCTTATCTTCTCAGCAGGCTC-3'
Protein context (NP_001193856.1, residues 645-665): DFMTKINGLE[Val655Ile]QIQAFMNSSF